The following is an entry in ClinVar:

NM_205861.3(DHDDS):c.649_657del (p.Leu217_Gln219del)

Gene: DHDDS (dehydrodolichyl diphosphate synthase subunit; plus strand). Cytogenetic location: 1p36.11.
Variant type: Deletion.
Coding change: c.649_657del on transcript NM_205861.3 (MANE Select); coding-DNA positions 649 to 657, 9 bases deleted (CTATGGCAG; older notation c.649_657delCTATGGCAG).
Protein change: p.Leu217_Gln219del.
Molecular consequence: inframe deletion.
Genome position (GRCh38, 1-based): chr1:26,457,897-26,457,905, CTATGGCAG deleted; deleting any 9 consecutive bases within chr1:26,457,896-26,457,905 gives the same sequence; the c. name uses the placement nearest the transcript's 3' end. VCF-style (leftmost placement, unchanged base first): chr1-26457895-TGCTATGGCA-T. GRCh37 (hg19) VCF-style: chr1-26784386-TGCTATGGCA-T.
Other names: c.547_555del, p.Leu183_Gln185del (NM_001243564.2); c.532_540del, p.Leu178_Gln180del (NM_001243565.2); c.370_378del, p.Leu124_Gln126del (NM_001319959.2); c.649_657del, p.Leu217_Gln219del (NM_024887.4).
Identifiers: ClinVar variation 1691036 (VCV001691036.2), dbSNP rs2124489893, ClinGen allele CA2573132219.

ClinVar aggregate classification (germline): Uncertain significance (1 of 4 stars; one submission).

Submission:

Laboratorio de Genetica e Diagnostico Molecular, Hospital Israelita Albert Einstein
Classification: Uncertain significance. Last evaluated: 2021-08-24. Review status: criteria provided, single submitter. Criteria: ACMG Guidelines, 2015. Collection method: clinical testing. Allele origin: germline. Affected: yes.
Comment: ACMG classification criteria: PVS1, PM2